The following is an entry in ClinVar:

NM_001292063.2(OTOG):c.3521C>T (p.Pro1174Leu)

Gene: OTOG (otogelin; plus strand). Cytogenetic location: 11p15.1.
Variant type: single nucleotide variant.
Coding change: c.3521C>T on transcript NM_001292063.2 (MANE Select); coding-DNA position 3521, C replaced by T.
Protein change: p.Pro1174Leu; replaces proline 1174 with leucine.
Molecular consequence: missense variant.
Genome position (GRCh38, 1-based): chr11:17,596,150, C>T. VCF-style: chr11-17596150-C-T. GRCh37 (hg19) VCF-style: chr11-17617697-C-T.
Other names: c.3557C>T, p.Pro1186Leu (NM_001277269.2); short protein forms P1174L, P1186L.
Identifiers: ClinVar variation 1212064 (VCV001212064.7), dbSNP rs775584403, ClinGen allele CA218461651.

ClinVar aggregate classification (germline): Uncertain significance. Review status: criteria provided, multiple submitters, no conflicts (2 of 4 stars). 3 submissions from 3 submitters: Uncertain significance (3). Last evaluated 2025-05-02.

Conditions:
Autosomal recessive nonsyndromic hearing loss 18B. Also called: Deafness, autosomal recessive 18b. Identifiers: Orphanet 90636, MedGen C3554163, MONDO:0013985, OMIM 614945.

Allele frequency attached by ClinVar (database versions not stated): TOPMed 0.00002; gnomAD 0.00005 and 0.00006; gnomAD exomes 0.00005 and 0.00021.
gnomAD v4.1: 299 of 1,548,632 alleles (0.019%); highest among the groups gnomAD compares: Non-Finnish European, 0.025%; no homozygotes.

Submissions (3):

GeneDx
Classification: Uncertain significance. Last evaluated: 2025-05-02. Review status: criteria provided, single submitter. Criteria: GeneDx Variant Classification Process June 2021. Collection method: clinical testing. Allele origin: germline. Affected: yes.
Comment: In silico analysis supports that this missense variant has a deleterious effect on protein structure/function; Has not been previously published as pathogenic or benign to our knowledge

Blueprint Genetics
Classification: Uncertain significance. Last evaluated: 2021-12-23. Review status: criteria provided, single submitter. Criteria: ACMG Guidelines, 2015. Collection method: clinical testing. Allele origin: germline.

Neuberg Centre For Genomic Medicine, NCGM
Classification: Uncertain significance for Autosomal recessive nonsyndromic hearing loss 18B. Review status: criteria provided, single submitter. Criteria: ACMG Guidelines, 2015. Collection method: clinical testing. Allele origin: germline. Inheritance: Autosomal recessive inheritance. Affected: yes.
Comment: The missense p.Pro1186Leu variant has not been reported as pathogenic or benign variant, as per our knowledge. The p.Pro1186Leu variant is novel (not in any individuals) in 1000 Genomes. The amino acid Pro at position 1186 is changed to a Leu changing protein sequence and it might alter its composition and physico-chemical properties. The variant is predicted to be damaging by both SIFT and PolyPhen2. The residue is conserved across species. The amino acid change p.Pro1186Leu in OTOG is predicted as conserved by GERP++ and PhyloP across 100 vertebrates. For these reasons, this variant has been classified as Uncertain Significance.